The following is an entry in ClinVar:

NM_014251.3(SLC25A13):c.124del (p.Thr42fs)

Gene: SLC25A13 (solute carrier family 25 member 13; minus strand). Cytogenetic location: 7q21.3.
Variant type: Deletion.
Coding change: c.124del on transcript NM_014251.3 (MANE Select); coding-DNA position 124, one base deleted (A; older notation c.124delA).
Protein change: p.Thr42fs; shifts the reading frame from threonine 42.
Molecular consequence: frameshift variant. On other transcripts: non-coding transcript variant (1).
Genome position (GRCh38, 1-based): chr7:96,277,284, T deleted on the plus strand (A on the coding strand, the reverse complement: SLC25A13 is on the minus strand). VCF-style (leftmost placement, unchanged base first): chr7-96277283-GT-G. GRCh37 (hg19) VCF-style: chr7-95906595-GT-G.
Other names: c.124del, p.Thr42fs (NM_001160210.2); short protein forms T42fs.
Identifiers: ClinVar variation 1408381 (VCV001408381.6), dbSNP rs2116939236, ClinGen allele CA2573142467.
Genomic context (GRCh38, chr7:96,277,283, plus strand): 5'-CTTAAAAGTTCCACAGTCTTTGGATTAGGCTGGCTTTCTCCAAAAATGTTCAAGTATCGA[GT>G]GACAAAGTCATTGGGGGACATGAAAAATTCACCGTTTTTCTCAATGCTTGCATACTGTTT-3'

ClinVar aggregate classification (germline): Pathogenic (1 of 4 stars; one submission).

Conditions:
Citrin deficiency. Identifiers: Orphanet 247582, MedGen C1997910, MONDO:0016602.

Submission:

Labcorp Genetics (formerly Invitae), Labcorp
Classification: Pathogenic for Citrin deficiency. Last evaluated: 2020-10-30. Review status: criteria provided, single submitter. Criteria: Invitae Variant Classification Sherloc (09022015). Collection method: clinical testing. Allele origin: germline.
Comment: This sequence change creates a premature translational stop signal (p.Thr42Leufs*4) in the SLC25A13 gene. It is expected to result in an absent or disrupted protein product. Loss-of-function variants in SLC25A13 are known to be pathogenic (PMID: 10369257, 14680984, 27405544). This variant is not present in population databases (ExAC no frequency). This variant has not been reported in the literature in individuals with SLC25A13-related conditions. For these reasons, this variant has been classified as Pathogenic.

Literature cited by the submitters: PubMed 10369257; PubMed 14680984; PubMed 27405544.